The following is an entry in ClinVar:

ClinVar aggregate classification (germline): Uncertain significance (1 of 4 stars; one submission).

Conditions:
Immunodeficiency, common variable, 10. Also called: IMMUNODEFICIENCY, COMMON VARIABLE, WITH CENTRAL ADRENAL INSUFFICIENCY; DEFICIT IN ANTERIOR PITUITARY FUNCTION AND VARIABLE IMMUNODEFICIENCY. Identifiers: MedGen C3809991, MONDO:0014260, OMIM 615577.

gnomAD v4.1: 4 of 1,539,054 alleles (0.00026%); highest among the groups gnomAD compares: Non-Finnish European, 0.00026%; no homozygotes.

Submission:

Labcorp Genetics (formerly Invitae), Labcorp
Classification: Uncertain significance for Immunodeficiency, common variable, 10. Last evaluated: 2022-06-27. Review status: criteria provided, single submitter. Criteria: Invitae Variant Classification Sherloc (09022015). Collection method: clinical testing. Allele origin: germline.
Comment: In summary, the available evidence is currently insufficient to determine the role of this variant in disease. Therefore, it has been classified as a Variant of Uncertain Significance. This sequence change replaces threonine, which is neutral and polar, with methionine, which is neutral and non-polar, at codon 410 of the NFKB2 protein (p.Thr410Met). The frequency data for this variant in the population databases is considered unreliable, as metrics indicate poor data quality at this position in the gnomAD database. This variant has not been reported in the literature in individuals affected with NFKB2-related conditions. ClinVar contains an entry for this variant (Variation ID: 653120). Algorithms developed to predict the effect of missense changes on protein structure and function (SIFT, PolyPhen-2, Align-GVGD) all suggest that this variant is likely to be tolerated.

NM_001322934.2(NFKB2):c.1229C>T (p.Thr410Met)

Genes: NFKB2 (nuclear factor kappa B subunit 2; plus strand), LOC130004599 (ATAC-STARR-seq lymphoblastoid silent region 2756; plus strand). Cytogenetic location: 10q24.32.
Variant type: single nucleotide variant.
Coding change: c.1229C>T on transcript NM_001322934.2 (MANE Select); coding-DNA position 1229, C replaced by T.
Protein change: p.Thr410Met; replaces threonine 410 with methionine.
Molecular consequence: missense variant.
Genome position (GRCh38, 1-based): chr10:102,399,399, C>T. VCF-style: chr10-102399399-C-T. GRCh37 (hg19) VCF-style: chr10-104159156-C-T.
Other names: c.1229C>T, p.Thr410Met (LRG_1347t1, NM_001077494.3, NM_001261403.3 and 2 more transcripts); c.1103C>T, p.Thr368Met (NM_001322935.1); short protein forms T368M, T410M.
Identifiers: ClinVar variation 653120 (VCV000653120.7), dbSNP rs1175800328, ClinGen allele CA377899032.
Genomic context (GRCh38, chr10:102,399,399, plus strand): 5'-CCGGCGCGGGCCCCATGGGCTGCTACCCGGGAGGCGGGGGCGGGGCGCAGATGGCCGCCA[C>T]GGTGCCCAGCAGGGACTCCGGGGAGGAAGCCGCGGAGCCAAGCGCCCCCTCCAGGACCCC-3'
Protein context (NP_001309863.1, residues 400-420): GGGGGAQMAA[Thr410Met]VPSRDSGEEA